The following is an entry in ClinVar:

ClinVar aggregate classification (germline): Uncertain significance (1 of 4 stars; one submission).

Submission:

GeneDx
Classification: Uncertain significance. Last evaluated: 2026-03-15. Review status: criteria provided, single submitter. Criteria: GeneDx Variant Classification Process June 2021. Collection method: clinical testing. Allele origin: germline.
Comment: Not observed at significant frequency in large population cohorts (gnomAD); Nonsense variant predicted to result in protein truncation as the last 128 amino acid(s) are lost; Has not been previously published as pathogenic or benign to our knowledge

NM_007144.3(PCGF2):c.650G>A (p.Trp217Ter)

Gene: PCGF2 (polycomb group ring finger 2; minus strand). Cytogenetic location: 17q12.
Variant type: single nucleotide variant.
Coding change: c.650G>A on transcript NM_007144.3 (MANE Select); coding-DNA position 650, G replaced by A.
Protein change: p.Trp217Ter; replaces tryptophan 217 with a stop codon.
Molecular consequence: nonsense.
Genome position (GRCh38, 1-based): chr17:38,736,097, C>T on the plus strand (G>A on the coding strand, the complement: PCGF2 is on the minus strand). VCF-style: chr17-38736097-C-T. GRCh37 (hg19) VCF-style: chr17-36892350-C-T.
Other names: c.650G>A, p.Trp217Ter (NM_001369614.1, NM_001369615.1); short protein forms W217*.
Identifiers: ClinVar variation 5008942 (VCV005008942.1).